The following is an entry in ClinVar:

ClinVar aggregate classification (germline): Benign/Likely benign. Review status: criteria provided, multiple submitters, no conflicts (2 of 4 stars). 10 submissions from 10 submitters: Benign (2); Likely benign (8). Last evaluated 2025-12-24.

Conditions:
Cardiovascular phenotype. Identifiers: MedGen CN230736.
Cardiomyopathy (CMYO). Also called: Cardiomyopathies. Identifiers: Orphanet 167848, MedGen C0878544, MONDO:0004994, HP:0001638. Inheritance: Various modes of inheritance.
Catecholaminergic polymorphic ventricular tachycardia 1. Also called: VENTRICULAR TACHYCARDIA, STRESS-INDUCED POLYMORPHIC 1; RYR2-Related Catecholaminergic Polymorphic Ventricular Tachycardia; VENTRICULAR TACHYCARDIA, CATECHOLAMINERGIC POLYMORPHIC, 1, WITH OR WITHOUT ATRIAL DYSFUNCTION AND/OR DILATED CARDIOMYOPATHY. Identifiers: Orphanet 3286, MedGen C1631597, MONDO:0011484, OMIM 604772.
Catecholaminergic polymorphic ventricular tachycardia (CVPT). Also called: Catecholamine-induced polymorphic ventricular tachycardia. Identifiers: Orphanet 3286, MedGen C5574922, MONDO:0017990.

Allele frequency attached by ClinVar (database versions not stated): gnomAD 0.00003; TOPMed 0.00005; gnomAD exomes 0.00006 and 0.00007; ExAC 0.00009.
gnomAD v4.1: 111 of 1,613,928 alleles (0.0069%); highest among the groups gnomAD compares: Non-Finnish European, 0.0086%; no homozygotes.

Submissions (10):

Labcorp Genetics (formerly Invitae), Labcorp
Classification: Likely benign for Catecholaminergic polymorphic ventricular tachycardia 1. Last evaluated: 2025-12-24. Review status: criteria provided, single submitter. Criteria: Invitae Variant Classification Sherloc (09022015). Collection method: clinical testing. Allele origin: germline.

All of Us Research Program, National Institutes of Health
Classification: Likely benign for Catecholaminergic polymorphic ventricular tachycardia. Last evaluated: 2024-02-05. Review status: criteria provided, single submitter. Criteria: ACMG Guidelines, 2015. Collection method: clinical testing. Allele origin: germline. Inheritance: Autosomal dominant inheritance. Observed: 15 variant alleles, 15 heterozygotes.
Comment: This study involves interpretation of variants in research participants for the purpose of population health screening. Participant phenotype was not available at the time of variant classification. Additional details can be found in publication PMID: 35346344, PMCID: PMC8962531

Blueprint Genetics
Classification: Likely benign. Last evaluated: 2022-12-01. Review status: criteria provided, single submitter. Criteria: ACMG Guidelines, 2015. Collection method: clinical testing. Allele origin: germline.

CeGaT Center for Human Genetics Tuebingen
Classification: Likely benign. Last evaluated: 2019-12-01. Review status: criteria provided, single submitter. Criteria: CeGaT Center For Human Genetics Tuebingen Variant Classification Criteria Version 2. Collection method: clinical testing. Allele origin: germline. Affected: yes. Observed: 1 variant allele.

Color Diagnostics, LLC DBA Color Health
Classification: Likely benign for Cardiomyopathy. Last evaluated: 2018-11-25. Review status: criteria provided, single submitter. Criteria: ACMG Guidelines, 2015. Collection method: clinical testing. Allele origin: germline.

Women's Health and Genetics/Laboratory Corporation of America, LabCorp
Classification: Benign. Last evaluated: 2018-05-29. Review status: criteria provided, single submitter. Criteria: LabCorp Variant Classification Summary - May 2015. Collection method: clinical testing. Allele origin: germline.
Comment: Variant summary: RYR2 c.5001T>C alters a non-conserved nucleotide resulting in a synonymous change. 5/5 computational tools predict no significant impact on normal splicing. However, these predictions have yet to be confirmed by functional studies. The observed variant frequency within Non-Finnish European control individuals in the gnomAD database is approximately 6-folds higher than the estimated maximal expected allele frequency for a pathogenic variant in RYR2 causing Cardiomyopathy phenotype (2.5e-05), strongly suggesting that the variant is a benign polymorphism found primarily in populations of Non-Finnish European origin. To our knowledge, no occurrence of c.5001T>C in individuals affected with Cardiomyopathy and no experimental evidence demonstrating its impact on protein function have been reported. Multiple ClinVar submissions from clinical diagnostic laboratories (evaluation after 2014) cite the variant as "likely benign." Based on the evidence outlined above, the variant was classified as benign.

Ambry Genetics
Classification: Likely benign for Cardiovascular phenotype. Last evaluated: 2017-04-04. Review status: criteria provided, single submitter. Criteria: Ambry Variant Classification Scheme 2023. Collection method: clinical testing. Allele origin: germline.

CHEO Genetics Diagnostic Laboratory, Children's Hospital of Eastern Ontario
Classification: Likely benign for Cardiomyopathy. Last evaluated: 2016-11-23. Review status: criteria provided, single submitter. Criteria: ACMG Guidelines, 2015. Collection method: clinical testing. Allele origin: germline. Study: Canadian Open Genetics Repository.

GeneDx
Classification: Benign. Last evaluated: 2014-04-08. Review status: criteria provided, single submitter. Criteria: GeneDx Variant Classification (06012015). Collection method: clinical testing. Allele origin: germline. Affected: yes.
Comment: This variant is considered likely benign or benign based on one or more of the following criteria: it is a conservative change, it occurs at a poorly conserved position in the protein, it is predicted to be benign by multiple in silico algorithms, and/or has population frequency not consistent with disease.

Laboratory for Molecular Medicine, Mass General Brigham Personalized Medicine
Classification: Likely benign. Last evaluated: 2012-10-08. Review status: criteria provided, single submitter. Criteria: LMM Criteria. Collection method: clinical testing. Allele origin: germline. Observed: 1 variant allele.
Comment: Leu1667Leu in exon 37 of RYR2: This variant is not expected to have clinical sig nificance because it does not alter an amino acid residue and is not located wit hin the splice consensus sequence. Leu1667Leu in exon 37 of RYR2 (allele freque ncy = n/a)

NM_001035.3(RYR2):c.5001T>C (p.Leu1667=)

Gene: RYR2 (ryanodine receptor 2; plus strand). Cytogenetic location: 1q43.
Variant type: single nucleotide variant.
Coding change: c.5001T>C on transcript NM_001035.3 (MANE Select); coding-DNA position 5001, T replaced by C.
Protein change: p.Leu1667=; no amino-acid change (leucine 1667 retained).
Molecular consequence: synonymous variant.
Genome position (GRCh38, 1-based): chr1:237,614,129, T>C. VCF-style: chr1-237614129-T-C. GRCh37 (hg19) VCF-style: chr1-237777429-T-C.
Other names: p.L1667L:CTT>CTC.
Identifiers: ClinVar variation 43798 (VCV000043798.66), dbSNP rs397516537, ClinGen allele CA009751.